The following is an entry in ClinVar:

NM_007327.4(GRIN1):c.183T>A (p.Asn61Lys)

Gene: GRIN1 (glutamate ionotropic receptor NMDA type subunit 1; plus strand). Cytogenetic location: 9q34.3.
Variant type: single nucleotide variant.
Coding change: c.183T>A on transcript NM_007327.4 (MANE Select); coding-DNA position 183, T replaced by A.
Protein change: p.Asn61Lys; replaces asparagine 61 with lysine.
Molecular consequence: missense variant.
Genome position (GRCh38, 1-based): chr9:137,139,669, T>A. VCF-style: chr9-137139669-T-A. GRCh37 (hg19) VCF-style: chr9-140034121-T-A.
Other names: c.183T>A, p.Asn61Lys (NM_000832.7, NM_001185090.2, NM_001185091.2 and 1 more transcripts); short protein forms N61K.
Identifiers: ClinVar variation 1312120 (VCV001312120.2), dbSNP rs779776822, ClinGen allele CA375713325.

ClinVar aggregate classification (germline): Uncertain significance (1 of 4 stars; one submission).

Submission:

GeneDx
Classification: Uncertain significance. Last evaluated: 2019-09-11. Review status: criteria provided, single submitter. Criteria: GeneDx Variant Classification Process June 2021. Collection method: clinical testing. Allele origin: germline. Affected: yes.
Comment: Not observed in large population cohorts (Lek et al., 2016); In silico analysis, which includes protein predictors and evolutionary conservation, supports that this variant does not alter protein structure/function; Has not been previously published as pathogenic or benign to our knowledge